The following is an entry in ClinVar:

NM_001429.4(EP300):c.3319G>A (p.Asp1107Asn)

Gene: EP300 (EP300 lysine acetyltransferase; plus strand). Cytogenetic location: 22q13.2.
Variant type: single nucleotide variant.
Coding change: c.3319G>A on transcript NM_001429.4 (MANE Select); coding-DNA position 3319, G replaced by A.
Protein change: p.Asp1107Asn; replaces aspartic acid 1107 with asparagine.
Molecular consequence: missense variant.
Genome position (GRCh38, 1-based): chr22:41,157,226, G>A. VCF-style: chr22-41157226-G-A. GRCh37 (hg19) VCF-style: chr22-41553230-G-A.
Other names: c.3241G>A, p.Asp1081Asn (NM_001362843.2); short protein forms D1081N, D1107N.
Identifiers: ClinVar variation 5002107 (VCV005002107.1).

ClinVar aggregate classification (germline): Uncertain significance (1 of 4 stars; one submission).

Conditions:
EP300-related disorder. Also called: EP300-related condition; EP300-related disorders.

Submission:

PreventionGenetics, part of Exact Sciences
Classification: Uncertain significance for EP300-related condition. Last evaluated: 2024-10-30. Review status: criteria provided, single submitter. Criteria: ACMG Guidelines, 2015. Collection method: clinical testing. Allele origin: germline.
Comment: The EP300 c.3319G>A variant is predicted to result in the amino acid substitution p.Asp1107Asn. To our knowledge, this variant has not been reported in the literature or in a large population database (gnomAD), indicating this variant is rare. At this time, the clinical significance of this variant is uncertain due to the absence of conclusive functional and genetic evidence.